The following is an entry in ClinVar:

NM_016203.4(PRKAG2):c.1052-264C>A

Gene: PRKAG2 (protein kinase AMP-activated non-catalytic subunit gamma 2; minus strand). Cytogenetic location: 7q36.1.
Variant type: single nucleotide variant.
Coding change: c.1052-264C>A on transcript NM_016203.4 (MANE Select); 264 bases into the intron before coding-DNA position 1052, C replaced by A.
Molecular consequence: intron variant.
Genome position (GRCh38, 1-based): chr7:151,570,489, G>T on the plus strand (C>A on the coding strand, the complement: PRKAG2 is on the minus strand). VCF-style: chr7-151570489-G-T. GRCh37 (hg19) VCF-style: chr7-151267575-G-T.
Other names: c.920-264C>A (NM_001040633.2); c.677-264C>A (NM_001304527.2); c.680-264C>A (NM_001363698.2); c.329-264C>A (NM_001304531.2, NM_024429.2).
Identifiers: ClinVar variation 668997 (VCV000668997.1), dbSNP rs2302529, ClinGen allele CA15487437.
Genomic context (GRCh38, chr7:151,570,489, plus strand): 5'-GCATTTGAAGAAAAATTAAATATTAAAAAACAATGTGACAGTAAGTGTTTATAAAATCAG[G>T]AAAAACAAAGAAATCTGATAAAAGAGCAATACCAGCAGAGGTCACTAGAATGCTACCAGG-3'

ClinVar aggregate classification (germline): Benign (1 of 4 stars; one submission).

Allele frequency attached by ClinVar (database versions not stated): TOPMed 0.18062; gnomAD 0.18725 and 0.19553; 1000 Genomes Project 30x 0.23329; 1000 Genomes Project 0.24201.
gnomAD v4.1: 29,708 of 151,944 alleles (20%); highest among the groups gnomAD compares: East Asian, 44%; 3,744 homozygotes.

Submission:

GeneDx
Classification: Benign. Last evaluated: 2018-06-19. Review status: criteria provided, single submitter. Criteria: GeneDx Variant Classification (06012015). Collection method: clinical testing. Allele origin: germline. Affected: yes.
Comment: This variant is considered likely benign or benign based on one or more of the following criteria: it is a conservative change, it occurs at a poorly conserved position in the protein, it is predicted to be benign by multiple in silico algorithms, and/or has population frequency not consistent with disease.